The following is an entry in ClinVar:

NM_001563.4(IMPG1):c.134C>T (p.Thr45Ile)

Gene: IMPG1 (interphotoreceptor matrix proteoglycan 1; minus strand). Cytogenetic location: 6q14.1.
Variant type: single nucleotide variant.
Coding change: c.134C>T on transcript NM_001563.4 (MANE Select); coding-DNA position 134, C replaced by T.
Protein change: p.Thr45Ile; replaces threonine 45 with isoleucine.
Molecular consequence: missense variant. On other transcripts: intron variant (1).
Genome position (GRCh38, 1-based): chr6:76,042,060, G>A on the plus strand (C>T on the coding strand, the complement: IMPG1 is on the minus strand). VCF-style: chr6-76042060-G-A. GRCh37 (hg19) VCF-style: chr6-76751777-G-A.
Other names: c.68-7273C>T (NM_001282368.2); short protein forms T45I.
Identifiers: ClinVar variation 3677173 (VCV003677173.3).

ClinVar aggregate classification (germline): Uncertain significance. Review status: criteria provided, multiple submitters, no conflicts (2 of 4 stars). 2 submissions from 2 submitters: Uncertain significance (2). Last evaluated 2025-01-06.

gnomAD v4.1: 11 of 1,611,218 alleles (0.00068%); highest among the groups gnomAD compares: South Asian, 0.0099%; no homozygotes.

Submissions (2):

Labcorp Genetics (formerly Invitae), Labcorp
Classification: Uncertain significance. Last evaluated: 2025-01-06. Review status: criteria provided, single submitter. Criteria: Invitae Variant Classification Sherloc (09022015). Collection method: clinical testing. Allele origin: germline.
Comment: This sequence change replaces threonine, which is neutral and polar, with isoleucine, which is neutral and non-polar, at codon 45 of the IMPG1 protein (p.Thr45Ile). This variant is present in population databases (rs770669943, gnomAD 0.02%). This variant has not been reported in the literature in individuals affected with IMPG1-related conditions. An algorithm developed to predict the effect of missense changes on protein structure and function outputs the following: PolyPhen-2: "Benign". The isoleucine amino acid residue is found in multiple mammalian species, which suggests that this missense change does not adversely affect protein function. In summary, the available evidence is currently insufficient to determine the role of this variant in disease. Therefore, it has been classified as a Variant of Uncertain Significance.

Blueprint Genetics
Classification: Uncertain significance. Last evaluated: 2022-10-10. Review status: criteria provided, single submitter. Criteria: ACMG Guidelines, 2015. Collection method: clinical testing. Allele origin: germline.